The following is an entry in ClinVar:

ClinVar aggregate classification (germline): Uncertain significance. Review status: criteria provided, single submitter (1 of 4 stars). 2 submissions from 2 submitters: Uncertain significance (1). 1 of the submissions does not count toward it. Last evaluated 2018-01-12.

Conditions:
Polycystic liver disease 2 (PCLD2). Also called: Polycystic liver disease 2 with or without kidney cysts. Identifiers: Orphanet 2924, MedGen C4310769, MONDO:0014860, OMIM 617004.
SEC63-related disorder. Also called: SEC63-related condition.

Allele frequency attached by ClinVar (database versions not stated): gnomAD exomes 0.00789.

Submissions (2):

Illumina Laboratory Services, Illumina
Classification: Uncertain significance for Polycystic liver disease 2. Last evaluated: 2018-01-12. Review status: criteria provided, single submitter. Criteria: ICSL Variant Classification Criteria 13 December 2019. Collection method: clinical testing. Allele origin: germline.

PreventionGenetics, part of Exact Sciences
Classification: Benign for SEC63-related condition. Last evaluated: 2019-06-06. Review status: no assertion criteria provided. Collection method: clinical testing. Allele origin: germline. Not counted in ClinVar's aggregate classification.
Comment: This variant is classified as benign based on ACMG/AMP sequence variant interpretation guidelines (Richards et al. 2015 PMID: 25741868, with internal and published modifications).

NM_007214.5(SEC63):c.1936-4C>T

Gene: SEC63 (SEC63 homolog, protein translocation regulator; minus strand). Cytogenetic location: 6q21.
Variant type: single nucleotide variant.
Coding change: c.1936-4C>T on transcript NM_007214.5 (MANE Select); 4 bases into the intron before coding-DNA position 1936, C replaced by T.
Molecular consequence: intron variant.
Genome position (GRCh38, 1-based): chr6:107,876,666, G>A on the plus strand (C>T on the coding strand, the complement: SEC63 is on the minus strand). VCF-style: chr6-107876666-G-A. GRCh37 (hg19) VCF-style: chr6-108197870-G-A.
Identifiers: ClinVar variation 907578 (VCV000907578.6), dbSNP rs1456647065, ClinGen allele CA569526062.
Genomic context (GRCh38, chr6:107,876,666, plus strand): 5'-TATTAATGTCTGCTCCTTCCTATCTGCAATGTAAAGCCACCACCATTCTTGTTTTTCCTG[G>A]AAACAAAAAAAAAAAAAAAAAAAGAAGAGGGGTATAAATAATCAGAAAGAACTAGAAAGA-3'